The following is an entry in ClinVar:

NM_000297.4(PKD2):c.711G>C (p.Leu237Phe)

Gene: PKD2 (polycystin 2, transient receptor potential cation channel; plus strand). Cytogenetic location: 4q22.1.
Variant type: single nucleotide variant.
Coding change: c.711G>C on transcript NM_000297.4 (MANE Select); coding-DNA position 711, G replaced by C.
Protein change: p.Leu237Phe; replaces leucine 237 with phenylalanine.
Molecular consequence: missense variant. On other transcripts: non-coding transcript variant (1).
Genome position (GRCh38, 1-based): chr4:88,036,221, G>C. VCF-style: chr4-88036221-G-C. GRCh37 (hg19) VCF-style: chr4-88957373-G-C.
Other names: c.711G>C (NM_000297.3); short protein forms L237F.
Identifiers: ClinVar variation 997268 (VCV000997268.4), dbSNP rs781318662, ClinGen allele CA3003780.

ClinVar aggregate classification (germline): Uncertain significance. Review status: criteria provided, multiple submitters, no conflicts (2 of 4 stars). 3 submissions from 3 submitters: Uncertain significance (2). 1 of the submissions does not count toward it. Last evaluated 2026-03-26.

Conditions:
Inborn genetic diseases. Identifiers: MedGen C0950123, MeSH D030342.
Autosomal dominant polycystic kidney disease. Identifiers: Orphanet 730, MedGen C0085413, MONDO:0004691.
Polycystic kidney disease. Also called: Polycystic kidney dysplasia; Kidney, Polycystic. Identifiers: MedGen C0022680, MeSH D007690, MONDO:0020642, HP:0000113.

Allele frequency attached by ClinVar (database versions not stated): gnomAD exomes below 0.00001 and 0.00003; ExAC 0.00001; gnomAD 0.00001; TOPMed 0.00001.
gnomAD v4.1: 48 of 1,613,610 alleles (0.003%); highest among the groups gnomAD compares: Non-Finnish European, 0.004%; no homozygotes.

Submissions (3):

Ambry Genetics
Classification: Uncertain significance for Inborn genetic diseases. Last evaluated: 2026-03-26. Review status: criteria provided, single submitter. Criteria: Ambry Variant Classification Scheme 2023. Collection method: clinical testing. Allele origin: germline.
Comment: The c.711G>C (p.L237F) alteration is located in exon 3 (coding exon 3) of the PKD2 gene. This alteration results from a G to C substitution at nucleotide position 711, causing the leucine (L) at amino acid position 237 to be replaced by a phenylalanine (F). Based on data from gnomAD, the C allele has an overall frequency of <0.001% (1/250064) total alleles studied. The highest observed frequency was 0.001% (1/112566) of European (non-Finnish) alleles. Based on insufficient or conflicting evidence, the clinical significance of this alteration remains unclear.

Labcorp Genetics (formerly Invitae), Labcorp
Classification: Uncertain significance for Autosomal dominant polycystic kidney disease. Last evaluated: 2024-10-02. Review status: criteria provided, single submitter. Criteria: Invitae Variant Classification Sherloc (09022015). Collection method: clinical testing. Allele origin: germline.
Comment: This sequence change replaces leucine, which is neutral and non-polar, with phenylalanine, which is neutral and non-polar, at codon 237 of the PKD2 protein (p.Leu237Phe). This variant is present in population databases (rs781318662, gnomAD 0.0009%). This variant has not been reported in the literature in individuals affected with PKD2-related conditions. ClinVar contains an entry for this variant (Variation ID: 997268). An algorithm developed to predict the effect of missense changes on protein structure and function (PolyPhen-2) suggests that this variant is likely to be disruptive. In summary, the available evidence is currently insufficient to determine the role of this variant in disease. Therefore, it has been classified as a Variant of Uncertain Significance.

Department of Pathology and Laboratory Medicine, Sinai Health System
Classification: Uncertain significance for Polycystic Kidney disease. Review status: no assertion criteria provided. Collection method: clinical testing. Allele origin: unknown. Affected: yes. Study: The Canadian Open Genetics Repository (COGR). Not counted in ClinVar's aggregate classification.
Comment: The PKD2 p.Leu237Phe variant was not identified in the literature nor was it identified in the ClinVar, LOVD 3.0, ADPKD Mutation Database, PKD1-LOVD, databases. The variant was identified in dbSNP (ID: rs781318662) as â€šÃ„ÃºNAâ€šÃ„Ã¹. The variant was identified in control databases in 1 of 244800 chromosomes at a frequency of 0.000004 (Genome Aggregation Database Feb 27, 2017). Breakdown of the observations by population include European Non-Finnish in 1 of 110474 chromosomes (freq: 0.000009), while the variant was not observed in the African, â€šÃ„ÃºOtherâ€šÃ„Ã¹, Latino, Ashkenazi Jewish, East Asian, European Finnish, and South Asian populations. The p.Leu237 residue is not conserved in mammals and computational analyses (PolyPhen-2, SIFT, AlignGVGD, BLOSUM, MutationTaster) provide inconsistent predictions regarding the impact to the protein; this information is not very predictive of pathogenicity. The p.Leu237Phe variant occurs in the last three bases of the exon. This position has been shown to be part of the splicing consensus sequence and variants involving this position sometimes affect splicing. However, in silico or computational prediction software programs (SpliceSiteFinder, MaxEntScan, NNSPLICE, GeneSplicer, HumanSpliceFinder) do not predict a difference in splicing. In summary, based on the above information the clinical significance of this variant cannot be determined with certainty at this time. This variant is classified as a variant of uncertain significance.